The following is an entry in ClinVar:

NM_001395159.1(UNC79):c.6047_6048dup (p.Glu2017fs)

Gene: UNC79 (unc-79 subunit of NALCN channel complex; plus strand). Cytogenetic location: 14q32.12.
Variant type: Duplication.
Coding change: c.6047_6048dup on transcript NM_001395159.1 (MANE Select); coding-DNA positions 6047 to 6048, 2 bases duplicated (CT; older notation c.6047_6048dupCT).
Protein change: p.Glu2017fs; shifts the reading frame from glutamic acid 2017.
Molecular consequence: frameshift variant.
Genome position (GRCh38, 1-based): chr14:93,634,635-93,634,636, CT duplicated. VCF-style (leftmost placement, unchanged base first): chr14-93634634-A-ACT. GRCh37 (hg19) VCF-style: chr14-94100980-A-ACT.
Other names: c.5981_5982dup, p.Glu1995fs (NM_001346218.2); c.5300_5301dup, p.Glu1768fs (NM_020818.5); short protein forms E1768fs, E1995fs, E2017fs.
Identifiers: ClinVar variation 4538265 (VCV004538265.1).

ClinVar aggregate classification (germline): Likely pathogenic (1 of 4 stars; one submission).

Conditions:
UNC79-related disorder. Also called: UNC79-related condition.

Submission:

Greenwood Genetic Center Diagnostic Laboratories, Greenwood Genetic Center
Classification: Likely pathogenic for UNC79-related disorder. Last evaluated: 2025-05-28. Review status: criteria provided, single submitter. Criteria: ACMG Guidelines, 2015. Collection method: clinical testing. Allele origin: germline. Affected: yes.
Comment: PVS1, PM2